The following is an entry in ClinVar:

NM_001080467.3(MYO5B):c.3920A>G (p.Tyr1307Cys)

Gene: MYO5B (myosin VB; minus strand). Cytogenetic location: 18q21.1.
Variant type: single nucleotide variant.
Coding change: c.3920A>G on transcript NM_001080467.3 (MANE Select); coding-DNA position 3920, A replaced by G.
Protein change: p.Tyr1307Cys; replaces tyrosine 1307 with cysteine.
Molecular consequence: missense variant.
Genome position (GRCh38, 1-based): chr18:49,863,251, T>C on the plus strand (A>G on the coding strand, the complement: MYO5B is on the minus strand). VCF-style: chr18-49863251-T-C. GRCh37 (hg19) VCF-style: chr18-47389621-T-C.
Other names: p.Tyr1307Cys; short protein forms Y1307C.
Identifiers: ClinVar variation 327020 (VCV000327020.11), dbSNP rs774837934, ClinGen allele CA8960540.
Genomic context (GRCh38, chr18:49,863,251, plus strand): 5'-GGCCTCGTCCAGCACATTTGACCGCGGCGGCCTTACCTGTTTGTCTGGCAGACCCCGTGA[T>C]AGGCCTCAATGGCATCCTCCTGGTCAACATGCTTTTCACTGTTAGGCCAACTTGATCTGG-3'
Protein context (NP_001073936.1, residues 1297-1317): HVDQEDAIEA[Tyr1307Cys]HGVCQTNSKT

ClinVar aggregate classification (germline): Uncertain significance. Review status: criteria provided, multiple submitters, no conflicts (2 of 4 stars). 3 submissions from 3 submitters: Uncertain significance (3). Last evaluated 2025-10-07.

Conditions:
Congenital microvillous atrophy (DIAR2). Also called: DAVIDSON DISEASE; MICROVILLUS ATROPHY, CONGENITAL; Microvillus inclusion disease; Diarrhea 2 with microvillus atrophy, with or without cholestasis; CONGENITAL FAMILIAL PROTRACTED DIARRHEA WITH ENTEROCYTE BRUSH-BORDER ABNORMALITIES. Identifiers: Orphanet 2290, MedGen C0341306, MONDO:0009635, OMIM 251850.

Allele frequency attached by ClinVar (database versions not stated): gnomAD exomes 0.00005 and 0.00006; ExAC 0.00006; gnomAD 0.00006 and 0.00007; TOPMed 0.00006.
gnomAD v4.1: 87 of 1,613,242 alleles (0.0054%); highest among the groups gnomAD compares: Non-Finnish European, 0.0071%; no homozygotes.

Submissions (3):

Labcorp Genetics (formerly Invitae), Labcorp
Classification: Uncertain significance. Last evaluated: 2025-10-07. Review status: criteria provided, single submitter. Criteria: Invitae Variant Classification Sherloc (09022015). Collection method: clinical testing. Allele origin: germline.
Comment: This sequence change replaces tyrosine, which is neutral and polar, with cysteine, which is neutral and slightly polar, at codon 1307 of the MYO5B protein (p.Tyr1307Cys). This variant is present in population databases (rs774837934, gnomAD 0.01%). This variant has not been reported in the literature in individuals affected with MYO5B-related conditions. ClinVar contains an entry for this variant (Variation ID: 327020). An algorithm developed to predict the effect of missense changes on protein structure and function (PolyPhen-2) suggests that this variant is likely to be disruptive. Experimental studies have shown that this missense change affects MYO5B function (PMID: 21282656). In summary, the available evidence is currently insufficient to determine the role of this variant in disease. Therefore, it has been classified as a Variant of Uncertain Significance.

Mayo Clinic Laboratories, Mayo Clinic
Classification: Uncertain significance. Last evaluated: 2023-09-15. Review status: criteria provided, single submitter. Criteria: ACMG Guidelines, 2015. Collection method: clinical testing. Allele origin: germline. Observed: 1 variant allele.

Illumina Laboratory Services, Illumina
Classification: Uncertain significance for Congenital microvillous atrophy. Last evaluated: 2018-01-12. Review status: criteria provided, single submitter. Criteria: ICSL Variant Classification Criteria 13 December 2019. Collection method: clinical testing. Allele origin: germline.

Literature cited by the submitters: PubMed 21282656 (cited by Labcorp Genetics (formerly Invitae), Labcorp and Mayo Clinic Laboratories, Mayo Clinic); PubMed 24014347 (cited by Mayo Clinic Laboratories, Mayo Clinic).